The following is an entry in ClinVar:

NM_000089.4(COL1A2):c.1502C>G (p.Thr501Ser)

Gene: COL1A2 (collagen type I alpha 2 chain; plus strand). Cytogenetic location: 7q21.3.
Variant type: single nucleotide variant.
Coding change: c.1502C>G on transcript NM_000089.4 (MANE Select); coding-DNA position 1502, C replaced by G.
Protein change: p.Thr501Ser; replaces threonine 501 with serine.
Molecular consequence: missense variant.
Genome position (GRCh38, 1-based): chr7:94,412,681, C>G. VCF-style: chr7-94412681-C-G. GRCh37 (hg19) VCF-style: chr7-94041993-C-G.
Other names: short protein forms T501S.
Identifiers: ClinVar variation 1305366 (VCV001305366.4), dbSNP rs1466730398, ClinGen allele CA368221975.

ClinVar aggregate classification (germline): Uncertain significance. Review status: criteria provided, multiple submitters, no conflicts (2 of 4 stars). 2 submissions from 2 submitters: Uncertain significance (2). Last evaluated 2020-01-13.

Conditions:
Cardiovascular phenotype. Identifiers: MedGen CN230736.

Allele frequency attached by ClinVar (database versions not stated): gnomAD exomes 0.00001.
gnomAD v4.1: 12 of 1,613,628 alleles (0.00074%); highest among the groups gnomAD compares: Admixed American, 0.0017%; no homozygotes.

Submissions (2):

Ambry Genetics
Classification: Uncertain significance for Cardiovascular phenotype. Last evaluated: 2020-01-13. Review status: criteria provided, single submitter. Criteria: Ambry Variant Classification Scheme 2023. Collection method: clinical testing. Allele origin: germline.
Comment: The p.T501S variant (also known as c.1502C>G), located in coding exon 25 of the COL1A2 gene, results from a C to G substitution at nucleotide position 1502. The threonine at codon 501 is replaced by serine, an amino acid with similar properties. This amino acid position is poorly conserved in available vertebrate species. In addition, the in silico prediction for this alteration is inconclusive. Since supporting evidence is limited at this time, the clinical significance of this alteration remains unclear.

GeneDx
Classification: Uncertain significance. Last evaluated: 2019-04-25. Review status: criteria provided, single submitter. Criteria: GeneDx Variant Classification Process June 2021. Collection method: clinical testing. Allele origin: germline. Affected: yes.
Comment: Occurs in the triple helical domain and affects the Y position in the canonical Gly-X-Y repeat. No nearby Y-position variants reported as pathogenic in the Human Gene Mutation Database (Stenson et al., 2014); Not observed at a significant frequency in large population cohorts (Lek et al., 2016); In silico analysis, which includes protein predictors and evolutionary conservation, supports that this variant does not alter protein structure/function; Has not been previously published as pathogenic or benign to our knowledge